The following is an entry in ClinVar:

NM_022124.6(CDH23):c.6775_6776del (p.Val2260fs)

Gene: CDH23 (cadherin related 23; plus strand). Cytogenetic location: 10q22.1.
Variant type: Microsatellite.
Coding change: c.6775_6776del on transcript NM_022124.6 (MANE Select); coding-DNA positions 6775 to 6776, 2 bases deleted (TC; older notation c.6775_6776delTC).
Protein change: p.Val2260fs; shifts the reading frame from valine 2260.
Molecular consequence: frameshift variant.
Genome position (GRCh38, 1-based): chr10:71,797,166-71,797,167, TC deleted; deleting any 2 consecutive bases within chr10:71,797,161-71,797,167 gives the same sequence; the c. name uses the placement nearest the transcript's 3' end. VCF-style (leftmost placement, unchanged base first): chr10-71797160-ACT-A. GRCh37 (hg19) VCF-style: chr10-73556917-ACT-A.
Other names: c.55_56del, p.Val20fs (NM_001171933.1, NM_001171934.1); short protein forms V2260fs, V20fs.
Identifiers: ClinVar variation 2815381 (VCV002815381.3), dbSNP rs2494395195, ClinGen allele CA2739275749.

ClinVar aggregate classification (germline): Pathogenic (1 of 4 stars; one submission).

Submission:

Labcorp Genetics (formerly Invitae), Labcorp
Classification: Pathogenic. Last evaluated: 2022-11-20. Review status: criteria provided, single submitter. Criteria: Invitae Variant Classification Sherloc (09022015). Collection method: clinical testing. Allele origin: germline.
Comment: For these reasons, this variant has been classified as Pathogenic. This variant is not present in population databases (gnomAD no frequency). This sequence change creates a premature translational stop signal (p.Val2260Aspfs*2) in the CDH23 gene. It is expected to result in an absent or disrupted protein product. Loss-of-function variants in CDH23 are known to be pathogenic (PMID: 11138009, 21940737). This variant has not been reported in the literature in individuals affected with CDH23-related conditions.

Literature cited by the submitters: PubMed 11138009; PubMed 21940737.